The following is an entry in ClinVar:

NM_004984.4(KIF5A):c.2672G>A (p.Arg891His)

Gene: KIF5A (kinesin family member 5A; plus strand). Cytogenetic location: 12q13.3.
Variant type: single nucleotide variant.
Coding change: c.2672G>A on transcript NM_004984.4 (MANE Select); coding-DNA position 2672, G replaced by A.
Protein change: p.Arg891His; replaces arginine 891 with histidine.
Molecular consequence: missense variant.
Genome position (GRCh38, 1-based): chr12:57,581,089, G>A. VCF-style: chr12-57581089-G-A. GRCh37 (hg19) VCF-style: chr12-57974872-G-A.
Other names: p.Arg891His; c.2405G>A, p.Arg802His (NM_001354705.2); short protein forms R802H, R891H.
Identifiers: ClinVar variation 648118 (VCV000648118.29), dbSNP rs767911747, ClinGen allele CA6653171.
Genomic context (GRCh38, chr12:57,581,089, plus strand): 5'-GAGTTAAGGCCCTGGAGGGTGCACTGAAGGAGGCCAAGGAGGGCGCCATGAAGGACAAGC[G>A]CCGGTACCAGCAGGAGGTGGACCGCATCAAGGAGGCCGTTCGCTACAAGAGCTCGGGCAA-3'
Protein context (NP_004975.2, residues 881-901): EAKEGAMKDK[Arg891His]RYQQEVDRIK

ClinVar aggregate classification (germline): Conflicting classifications of pathogenicity. Review status: criteria provided, conflicting classifications (1 of 4 stars). 6 submissions from 6 submitters: Uncertain significance (4); Likely benign (1). 1 of the submissions does not count toward it. Last evaluated 2025-08-11.

Conditions:
KIF5A-related disorder. Also called: KIF5A-related condition; KIF5A-related disorders.
Inborn genetic diseases. Identifiers: MedGen C0950123, MeSH D030342.
Spastic paraplegia. Identifiers: MedGen C0037772, HP:0001258.
Hereditary spastic paraplegia 10 (SPG10). Also called: SPASTIC PARAPLEGIA 10 WITH OR WITHOUT PERIPHERAL NEUROPATHY; SPASTIC PARAPLEGIA 10 WITH PERIPHERAL NEUROPATHY; SPASTIC PARAPLEGIA 10, AUTOSOMAL DOMINANT. Identifiers: Orphanet 100991, MedGen C1858712, MONDO:0011408, OMIM 604187.

Allele frequency attached by ClinVar (database versions not stated): ExAC 0.00004; gnomAD exomes 0.00005 and 0.00010; TOPMed 0.00005; gnomAD 0.00007 and 0.00008.
gnomAD v4.1: 158 of 1,614,014 alleles (0.0098%); highest among the groups gnomAD compares: Non-Finnish European, 0.013%; no homozygotes.

Submissions (6):

Labcorp Genetics (formerly Invitae), Labcorp
Classification: Likely benign for Spastic paraplegia. Last evaluated: 2025-08-11. Review status: criteria provided, single submitter. Criteria: Invitae Variant Classification Sherloc (09022015). Collection method: clinical testing. Allele origin: germline.

CeGaT Center for Human Genetics Tuebingen
Classification: Uncertain significance. Last evaluated: 2024-08-01. Review status: criteria provided, single submitter. Criteria: CeGaT Center For Human Genetics Tuebingen Variant Classification Criteria Version 2. Collection method: clinical testing. Allele origin: germline. Affected: yes. Observed: 1 variant allele.

Mayo Clinic Laboratories, Mayo Clinic
Classification: Uncertain significance. Last evaluated: 2024-07-02. Review status: criteria provided, single submitter. Criteria: ACMG Guidelines, 2015. Collection method: clinical testing. Allele origin: germline. Observed: 1 variant allele.

Ambry Genetics
Classification: Uncertain significance for Inborn genetic diseases. Last evaluated: 2023-12-16. Review status: criteria provided, single submitter. Criteria: Ambry Variant Classification Scheme 2023. Collection method: clinical testing. Allele origin: germline.

Illumina Laboratory Services, Illumina
Classification: Uncertain significance for Hereditary spastic paraplegia 10. Last evaluated: 2018-01-13. Review status: criteria provided, single submitter. Criteria: ICSL Variant Classification Criteria 13 December 2019. Collection method: clinical testing. Allele origin: germline.

PreventionGenetics, part of Exact Sciences
Classification: Uncertain significance for KIF5A-related condition. Last evaluated: 2024-09-03. Review status: no assertion criteria provided. Collection method: clinical testing. Allele origin: germline. Not counted in ClinVar's aggregate classification.
Comment: The KIF5A c.2672G>A variant is predicted to result in the amino acid substitution p.Arg891His. To our knowledge, this variant has not been reported in the literature. This variant is reported in 0.011% of alleles in individuals of European (Non-Finnish) descent in gnomAD. Although we suspect that this variant may be benign, at this time, the clinical significance of this variant is uncertain due to the absence of conclusive functional and genetic evidence.